The following is an entry in ClinVar:

ClinVar aggregate classification (germline): Uncertain significance (1 of 4 stars; one submission).

Allele frequency attached by ClinVar (database versions not stated): TOPMed 0.00001.
gnomAD v4.1: 7 of 1,612,750 alleles (0.00043%); highest among the groups gnomAD compares: African/African-American, 0.0094%; no homozygotes.

Submission:

Labcorp Genetics (formerly Invitae), Labcorp
Classification: Uncertain significance. Last evaluated: 2022-08-01. Review status: criteria provided, single submitter. Criteria: Invitae Variant Classification Sherloc (09022015). Collection method: clinical testing. Allele origin: germline.
Comment: In summary, the available evidence is currently insufficient to determine the role of this variant in disease. Therefore, it has been classified as a Variant of Uncertain Significance. This variant is not present in population databases (gnomAD no frequency). This variant has not been reported in the literature in individuals affected with DRAM2-related conditions. ClinVar contains an entry for this variant (Variation ID: 1011932). Algorithms developed to predict the effect of missense changes on protein structure and function output the following: SIFT: "Tolerated"; PolyPhen-2: "Benign"; Align-GVGD: "Class C0". The glutamic acid amino acid residue is found in multiple mammalian species, which suggests that this missense change does not adversely affect protein function. This sequence change replaces glutamine, which is neutral and polar, with glutamic acid, which is acidic and polar, at codon 191 of the DRAM2 protein (p.Gln191Glu).

NM_001349884.2(DRAM2):c.571C>G (p.Gln191Glu)

Gene: DRAM2 (DNA damage regulated autophagy modulator 2; minus strand). Cytogenetic location: 1p13.3.
Variant type: single nucleotide variant.
Coding change: c.571C>G on transcript NM_001349884.2 (MANE Select); coding-DNA position 571, C replaced by G.
Protein change: p.Gln191Glu; replaces glutamine 191 with glutamic acid.
Molecular consequence: missense variant. On other transcripts: non-coding transcript variant (8).
Genome position (GRCh38, 1-based): chr1:111,119,906, G>C on the plus strand (C>G on the coding strand, the complement: DRAM2 is on the minus strand). VCF-style: chr1-111119906-G-C. GRCh37 (hg19) VCF-style: chr1-111662528-G-C.
Other names: c.571C>G, p.Gln191Glu (NM_001349881.2, NM_001349882.2, NM_001349885.2 and 1 more transcripts); c.301C>G, p.Gln101Glu (NM_001349886.2, NM_001349887.2, NM_001349888.2); c.181C>G, p.Gln61Glu (NM_001349889.2, NM_001349890.2, NM_001349891.2 and 2 more transcripts); short protein forms Q101E, Q191E, Q61E.
Identifiers: ClinVar variation 1011932 (VCV001011932.8), dbSNP rs745473812, ClinGen allele CA341818592.
Genomic context (GRCh38, chr1:111,119,906, plus strand): 5'-AAAACTAAGTTTATAGACTGTAAGTTCTTACTTTGTCCTCGGGGTTCCAATGGAGTTTCT[G>C]TTCTAAATCAGTCCCAAAATTGCCACTGTGCAAAACTGATGAGCAAGTCAGCACTATAAA-3'
Protein context (NP_001336813.1, residues 181-201): HSGNFGTDLE[Gln191Glu]KLHWNPEDKG